The following is an entry in ClinVar:

NM_001195263.2(PDZD7):c.2332_2352AGCCGC[4]AGCCGTAGCCGCAGCCGCAGCCGCAGCCGCAGC[1] (p.773RS[12])

Gene: PDZD7 (PDZ domain containing 7; minus strand). Cytogenetic location: 10q24.31.
Variant type: Microsatellite.
Coding change: c.2332_2352AGCCGC[4]AGCCGTAGCCGCAGCCGCAGCCGCAGCCGCAGC[1] on transcript NM_001195263.2 (MANE Select).
Protein change: p.773RS[12].
Molecular consequence: inframe insertion.
Genome position: GRCh38: chr10:101,010,537-101,010,557. GRCh37 (hg19): chr10:102,770,294-102,770,314.
Identifiers: ClinVar variation 1350610 (VCV001350610.7), dbSNP rs200896335.

ClinVar aggregate classification (germline): Uncertain significance (1 of 4 stars; one submission).

Submission:

Labcorp Genetics (formerly Invitae), Labcorp
Classification: Uncertain significance. Last evaluated: 2023-10-13. Review status: criteria provided, single submitter. Criteria: Invitae Variant Classification Sherloc (09022015). Collection method: clinical testing. Allele origin: germline.
Comment: This variant, c.2352_2353insCGCAGCCGTAGCCGCAGCCGCAGCCGCAGCCGCAGC, results in the insertion of 12 amino acid(s) of the PDZD7 protein (p.Arg773_Ser784dup), but otherwise preserves the integrity of the reading frame. This variant is not present in population databases (gnomAD no frequency). This variant has not been reported in the literature in individuals affected with PDZD7-related conditions. Experimental studies and prediction algorithms are not available or were not evaluated, and the functional significance of this variant is currently unknown. In summary, the available evidence is currently insufficient to determine the role of this variant in disease. Therefore, it has been classified as a Variant of Uncertain Significance.